The following is an entry in ClinVar:

NM_000492.4(CFTR):c.2071G>A (p.Gly691Arg)

Gene: CFTR (CF transmembrane conductance regulator; plus strand). Cytogenetic location: 7q31.2.
Variant type: single nucleotide variant.
Coding change: c.2071G>A on transcript NM_000492.4 (MANE Select); coding-DNA position 2071, G replaced by A.
Protein change: p.Gly691Arg; replaces glycine 691 with arginine.
Molecular consequence: missense variant.
Genome position (GRCh38, 1-based): chr7:117,592,238, G>A. VCF-style: chr7-117592238-G-A. GRCh37 (hg19) VCF-style: chr7-117232292-G-A.
Other names: short protein forms G691R.
Identifiers: ClinVar variation 3671947 (VCV003671947.2).

ClinVar aggregate classification (germline): Uncertain significance (1 of 4 stars; one submission).

Conditions:
Cystic fibrosis (CF). Also called: MUCOVISCIDOSIS. Identifiers: Orphanet 586, MedGen C0010674, MONDO:0009061, OMIM 219700. Disease mechanism: loss of function.

gnomAD v4.1: 8 of 1,613,636 alleles (0.0005%); highest among the groups gnomAD compares: Non-Finnish European, 0.00068%; no homozygotes.

Submission:

Labcorp Genetics (formerly Invitae), Labcorp
Classification: Uncertain significance for Cystic fibrosis. Last evaluated: 2025-11-13. Review status: criteria provided, single submitter. Criteria: Invitae Variant Classification Sherloc (09022015). Collection method: clinical testing. Allele origin: germline.
Comment: This sequence change replaces glycine, which is neutral and non-polar, with arginine, which is basic and polar, at codon 691 of the CFTR protein (p.Gly691Arg). This variant is present in population databases (no rsID available, gnomAD 0.0009%). This variant has not been reported in the literature in individuals affected with CFTR-related conditions. ClinVar contains an entry for this variant (Variation ID: 3671947). Invitae Evidence Modeling of protein sequence and biophysical properties (such as structural, functional, and spatial information, amino acid conservation, physicochemical variation, residue mobility, and thermodynamic stability) indicates that this missense variant is not expected to disrupt CFTR protein function with a negative predictive value of 80%. In summary, the available evidence is currently insufficient to determine the role of this variant in disease. Therefore, it has been classified as a Variant of Uncertain Significance.